The following is an entry in ClinVar:

Single allele

Genes: BMP15 (bone morphogenetic protein 15; plus strand), SHROOM4 (shroom family member 4; minus strand), LOC121627972 (Sharpr-MPRA regulatory region 11230; plus strand). Cytogenetic location: Xp11.22.
Variant type: Duplication.
Identifiers: ClinVar variation 1696613 (VCV001696613.1).

ClinVar aggregate classification (germline): Uncertain significance (1 of 4 stars; one submission).

Submission:

New York Genome Center
Classification: Uncertain significance. Last evaluated: 2021-08-20. Review status: criteria provided, single submitter. Criteria: NYGC Assertion Criteria 2020. Collection method: clinical testing. Allele origin: inherited. Observed: 1 variant allele. Study: CSER-NYCKidSeq.
Comment: The inherited Xp11.22 duplication observed here is absent from gnomAD SVs(v2.1.1) and the Database of Genomic Variants (DGV) suggesting it is not a common benign variant in the populations represented in that database. While this exact variant has not been reported in ClinVar, two copy number gains contained within the one identified here have been reported as both Likely Pathogenic (VarID:150778) and a Variant of Uncertain Significance (VarID:144464). Many larger duplications containing SHROOM4 have been reported in affected individuals in the literature, although these larger duplications contain many additional genes within the same copy number gain as SHROOM4 [PMID:26692240, 19716111, 25425167]. However, full duplications of SHROOM4 have been identified in control individuals as well [PMID:26692240]. Given the uncertainty regarding the functional consequence of the inherited Xp11.22 duplication identified here, it is reported as a Variant of Uncertain Significance.